The following is an entry in ClinVar:

NM_001386795.1(DTNA):c.1743+2825dup

Gene: DTNA (dystrobrevin alpha; plus strand). Cytogenetic location: 18q12.1.
Variant type: Duplication.
Coding change: c.1743+2825dup on transcript NM_001386795.1 (MANE Select); 2825 bases into the intron after coding-DNA position 1743, one base duplicated (T; older notation c.1743+2825dupT).
Molecular consequence: intron variant. On other transcripts: 3 prime UTR variant (11).
Genome position (GRCh38, 1-based): chr18:34,866,887, T duplicated; the last of 12 consecutive T bases (chr18:34,866,876-34,866,887); duplicating any one gives the same sequence. VCF-style (leftmost placement, unchanged base first): chr18-34866875-C-CT. GRCh37 (hg19) VCF-style: chr18-32446839-C-CT.
Other names: c.*726dup (NM_001198941.2, NM_001198945.2, NM_001386770.1 and 8 more transcripts); c.1491+2825dup (NM_032975.4, NM_001386761.1); c.1488+2825dup (NM_001386762.1); c.1572+2825dup (NM_001386754.1, NM_001386755.1, NM_001386757.1 and 3 more transcripts); c.1569+2825dup (NM_001386760.1); c.1482+2825dup (NM_001386763.1, NM_001386764.1, NM_001198940.2 and 5 more transcripts); c.1479+2825dup (NM_001386768.1, NM_001386769.1); c.1503+756dup (NM_001198939.2); and 6 more.
Identifiers: ClinVar variation 326681 (VCV000326681.9), dbSNP rs778058745, ClinGen allele CA10650782.
Genomic context (GRCh38, chr18:34,866,875, plus strand): 5'-TCAGCTTTTTCCTTAGCACCAGAGCCTTTCGGCTCCGGGAGACGAGAGGGTCATTACATA[C>CT]TTTTTTTTTTTTCTGGAAATAGGGGCATTGTGACTTTATAGCCTAAACTGGAGCTGTCTG-3'

ClinVar aggregate classification (germline): Conflicting classifications of pathogenicity. Review status: criteria provided, conflicting classifications (1 of 4 stars). 2 submissions from 2 submitters: Uncertain significance (1); Likely benign (1). Last evaluated 2020-01-29.

Conditions:
Left ventricular noncompaction 1 (LVNC1). Also called: LEFT VENTRICULAR NONCOMPACTION 1 WITH OR WITHOUT CONGENITAL HEART DEFECTS. Identifiers: Orphanet 54260, MedGen C1858725, MONDO:0011403, OMIM 604169.

Submissions (2):

Centre for Mendelian Genomics, University Medical Centre Ljubljana
Classification: Uncertain significance for Left ventricular noncompaction 1. Last evaluated: 2020-01-29. Review status: criteria provided, single submitter. Criteria: ACMG Guidelines, 2015. Collection method: clinical testing. Allele origin: unknown. Affected: yes.
Comment: This variant was classified as: Uncertain significance. The available evidence on this variant's pathogenicity is insufficient or conflicting. The following ACMG criteria were applied in classifying this variant: PM2.

Blueprint Genetics
Classification: Likely benign. Last evaluated: 2018-06-19. Review status: criteria provided, single submitter. Criteria: ACMG Guidelines, 2015. Collection method: clinical testing. Allele origin: germline.